The following is an entry in ClinVar:

NM_001042492.3(NF1):c.7399T>G (p.Ser2467Ala)

Gene: NF1 (neurofibromin 1; plus strand). Cytogenetic location: 17q11.2.
Variant type: single nucleotide variant.
Coding change: c.7399T>G on transcript NM_001042492.3 (MANE Select); coding-DNA position 7399, T replaced by G.
Protein change: p.Ser2467Ala; replaces serine 2467 with alanine.
Molecular consequence: missense variant.
Genome position (GRCh38, 1-based): chr17:31,350,260, T>G. VCF-style: chr17-31350260-T-G. GRCh37 (hg19) VCF-style: chr17-29677278-T-G.
Other names: c.7336T>G, p.Ser2446Ala (NM_000267.4); short protein forms S2446A, S2467A.
Identifiers: ClinVar variation 2980096 (VCV002980096.4), dbSNP rs1040132838, ClinGen allele CA289401796.
Genomic context (GRCh38, chr17:31,350,260, plus strand): 5'-GAAGAAGTTCGAAGTCGCTGCAGCCTAAAACATAGAAAGTCACTTCTTCTTACTGATATT[T>G]CAATGGAAAATGTTCCTATGGATACATATCCCATTCATCATGGTGACCCTTCCTATAGGT-3'
Protein context (NP_001035957.1, residues 2457-2477): HRKSLLLTDI[Ser2467Ala]MENVPMDTYP

ClinVar aggregate classification (germline): Conflicting classifications of pathogenicity. Review status: criteria provided, conflicting classifications (1 of 4 stars). 2 submissions from 2 submitters: Uncertain significance (1); Likely benign (1). Last evaluated 2026-06-03.

Conditions:
Cardiovascular phenotype. Identifiers: MedGen CN230736.
Hereditary cancer-predisposing syndrome. Also called: Hereditary neoplastic syndrome; Neoplastic Syndromes, Hereditary; Tumor predisposition; Hereditary Cancer Syndrome. Identifiers: Orphanet 140162, MedGen C0027672, MeSH D009386, MONDO:0015356.
Neurofibromatosis, type 1 (NF1). Also called: Peripheral type neurofibromatosis; NEUROFIBROMATOSIS, TYPE I, SOMATIC; Neurofibromatosis, type I; VON RECKLINGHAUSEN DISEASE. Identifiers: Orphanet 636, MedGen C0027831, MONDO:0018975, OMIM 162200. Disease mechanism: loss of function.

Allele frequency attached by ClinVar (database versions not stated): gnomAD 0.00001; TOPMed 0.00001.
gnomAD v4.1: 1 of 1,613,656 alleles (0.000062%); highest among the groups gnomAD compares: African/African-American, 0.0013%; no homozygotes.

Submissions (2):

Ambry Genetics
Classification: Likely benign for Cardiovascular phenotype; Hereditary cancer-predisposing syndrome. Last evaluated: 2026-06-03. Review status: criteria provided, single submitter. Criteria: Ambry Variant Classification Scheme 2023. Collection method: clinical testing. Allele origin: germline.

Labcorp Genetics (formerly Invitae), Labcorp
Classification: Uncertain significance for Neurofibromatosis, type 1. Last evaluated: 2024-01-26. Review status: criteria provided, single submitter. Criteria: Invitae Variant Classification Sherloc (09022015). Collection method: clinical testing. Allele origin: germline.
Comment: This sequence change replaces serine, which is neutral and polar, with alanine, which is neutral and non-polar, at codon 2446 of the NF1 protein (p.Ser2446Ala). This variant is not present in population databases (gnomAD no frequency). This variant has not been reported in the literature in individuals affected with NF1-related conditions. Advanced modeling of protein sequence and biophysical properties (such as structural, functional, and spatial information, amino acid conservation, physicochemical variation, residue mobility, and thermodynamic stability) performed at Invitae indicates that this missense variant is not expected to disrupt NF1 protein function with a negative predictive value of 95%. In summary, the available evidence is currently insufficient to determine the role of this variant in disease. Therefore, it has been classified as a Variant of Uncertain Significance.